The following is an entry in ClinVar:

NM_000023.4(SGCA):c.68C>A (p.Ala23Asp)

Gene: SGCA (sarcoglycan alpha; plus strand). Cytogenetic location: 17q21.33.
Variant type: single nucleotide variant.
Coding change: c.68C>A on transcript NM_000023.4 (MANE Select); coding-DNA position 68, C replaced by A.
Protein change: p.Ala23Asp; replaces alanine 23 with aspartic acid.
Molecular consequence: missense variant. On other transcripts: non-coding transcript variant (1).
Genome position (GRCh38, 1-based): chr17:50,167,398, C>A. VCF-style: chr17-50167398-C-A. GRCh37 (hg19) VCF-style: chr17-48244759-C-A.
Other names: c.68C>A, p.Ala23Asp (NM_001135697.3); short protein forms A23D.
Identifiers: ClinVar variation 2430699 (VCV002430699.2), dbSNP rs760528436, ClinGen allele CA400176450.

ClinVar aggregate classification (germline): Uncertain significance (1 of 4 stars; one submission).

gnomAD v4.1: 3 of 1,614,170 alleles (0.00019%); highest among the groups gnomAD compares: Non-Finnish European, 0.00025%; no homozygotes.

Submission:

GeneDx
Classification: Uncertain significance. Last evaluated: 2026-01-07. Review status: criteria provided, single submitter. Criteria: GeneDx Variant Classification Process June 2021. Collection method: clinical testing. Allele origin: germline.
Comment: Not observed at significant frequency in large population cohorts (gnomAD); In silico analysis suggests that this missense variant does not alter protein structure/function; Has not been previously published as pathogenic or benign to our knowledge; This variant is associated with the following publications: (PMID: 19781108)